The following is an entry in ClinVar:

NM_000414.4(HSD17B4):c.1768-6_1768-4del

Gene: HSD17B4 (hydroxysteroid 17-beta dehydrogenase 4; plus strand). Cytogenetic location: 5q23.1.
Variant type: Microsatellite.
Coding change: c.1768-6_1768-4del on transcript NM_000414.4 (MANE Select); 6 bases into the intron before coding-DNA position 1768 through 4 bases into the intron before coding-DNA position 1768, 3 bases deleted (CCT; older notation c.1768-6_1768-4delCCT).
Molecular consequence: intron variant.
Genome position (GRCh38, 1-based): chr5:119,529,888-119,529,890, CCT deleted; deleting any 3 consecutive bases within chr5:119,529,883-119,529,890 gives the same sequence; the c. name uses the placement nearest the transcript's 3' end. VCF-style (leftmost placement, unchanged base first): chr5-119529882-TCTC-T. GRCh37 (hg19) VCF-style: chr5-118865577-TCTC-T.
Other names: c.1357-6_1357-4del (NM_001374503.1, NM_001374502.1, NM_001374501.1); c.1843-6_1843-4del (NM_001199291.3); c.1441-6_1441-4del (NM_001374499.1); c.1327-6_1327-4del (NM_001374500.1); c.1348-6_1348-4del (NM_001292028.2); c.1696-6_1696-4del (NM_001292027.2, NM_001374498.1); c.1759-6_1759-4del (NM_001374497.1); c.1714-6_1714-4del (NM_001199292.2); and 1 more.
Identifiers: ClinVar variation 594557 (VCV000594557.15), dbSNP rs755128532, ClinGen allele CA3382399.
Genomic context (GRCh38, chr5:119,529,882, plus strand): 5'-GTACTGTTTCACAGTGAAATTACACTTCCATTGTAATCAGAATAAATCTTTTTTTTTTCT[TCTC>T]CTCCTAAGGTCCAAGAAACTGGAGACATTGTCATTTCAAATGCATATGTGGATCTTGCAC-3'

ClinVar aggregate classification (germline): Conflicting classifications of pathogenicity. Review status: criteria provided, conflicting classifications (1 of 4 stars). 3 submissions from 3 submitters: Uncertain significance (1); Likely benign (1). 1 of the submissions does not count toward it. Last evaluated 2026-01-05.

Conditions:
HSD17B4-related disorder. Also called: HSD17B4-related disorders; HSD17B4-related condition.
Perrault syndrome. Also called: Gonadal dysgenesis with auditory dysfunction, autosomal recessive inheritance. Identifiers: Orphanet 2855, MedGen C0685838, MONDO:0017312.
Bifunctional peroxisomal enzyme deficiency (DBIF). Also called: PBFE DEFICIENCY; D-bifunctional protein deficiency; DBP DEFICIENCY. Identifiers: Orphanet 300, MedGen C0342870, MONDO:0009855, OMIM 261515. Disease mechanism: loss of function.

Submissions (3):

Labcorp Genetics (formerly Invitae), Labcorp
Classification: Likely benign for Perrault syndrome; Bifunctional peroxisomal enzyme deficiency. Last evaluated: 2026-01-05. Review status: criteria provided, single submitter. Criteria: Invitae Variant Classification Sherloc (09022015). Collection method: clinical testing. Allele origin: germline.

Eurofins Ntd Llc (ga)
Classification: Uncertain significance. Last evaluated: 2017-10-16. Review status: criteria provided, single submitter. Criteria: EGL Classification Definitions 2015. Collection method: clinical testing. Allele origin: germline. Observed: 1 variant allele, 1 heterozygote.

PreventionGenetics, part of Exact Sciences
Classification: Likely benign for HSD17B4-related condition. Last evaluated: 2022-02-08. Review status: no assertion criteria provided. Collection method: clinical testing. Allele origin: germline. Not counted in ClinVar's aggregate classification.
Comment: This variant is classified as likely benign based on ACMG/AMP sequence variant interpretation guidelines (Richards et al. 2015 PMID: 25741868, with internal and published modifications).